The following is an entry in ClinVar:

NM_024574.4(NDNF):c.44_45delinsCT (p.Leu15Pro)

Gene: NDNF (neuron derived neurotrophic factor; minus strand). Cytogenetic location: 4q27.
Variant type: Indel.
Coding change: c.44_45delinsCT on transcript NM_024574.4 (MANE Select); coding-DNA positions 44 to 45, TC replaced by CT.
Protein change: p.Leu15Pro; replaces leucine 15 with proline.
Molecular consequence: missense variant.
Genome position (GRCh38, 1-based): chr4:121,045,793-121,045,794, GA replaced by AG on the plus strand (TC replaced by CT on the coding strand, the reverse complement: NDNF is on the minus strand). VCF-style: chr4-121045793-GA-AG. GRCh37 (hg19) VCF-style: chr4-121966948-GA-AG.
Other names: short protein forms L15P.
Identifiers: ClinVar variation 1802269 (VCV001802269.3), dbSNP rs2476455313, ClinGen allele CA2580071426.

ClinVar aggregate classification (germline): Uncertain significance (1 of 4 stars; one submission).

Conditions:
Hypogonadotropic hypogonadism 25 with anosmia. Identifiers: MedGen C5394246, MONDO:0030010, OMIM 618841.

Submission:

Diagnostics Services (NGS), CSIR - Centre For Cellular And Molecular Biology
Classification: Uncertain significance for Hypogonadotropic hypogonadism 25 with anosmia. Last evaluated: 2022-11-21. Review status: criteria provided, single submitter. Criteria: ACMG Guidelines, 2015. Collection method: clinical testing. Allele origin: unknown. Affected: yes. Observed: 1 variant allele, 1 heterozygote.
Comment: The c.44_45delinsCT variant is not present in publicly available population databases like 1000 Genomes, EVS, ExAC, gnomAD, Indian Exome Database or our in-house exome database. The variant is neither published in literature nor reported to clinical databases like ClinVar, OMIM or Human Genome Mutation Database (HGMD), in any affected individuals. In-silico pathogenicity prediction programs like MutationTaster2, CADD etc. predicted this variant to be likely deleterious, however these predictions were not confirmed by any published functional studies.